The following is an entry in ClinVar:

NM_005313.5(PDIA3):c.1260C>T (p.Gly420=)

Gene: PDIA3 (protein disulfide isomerase family A member 3; plus strand). Cytogenetic location: 15q15.3.
Variant type: single nucleotide variant.
Coding change: c.1260C>T on transcript NM_005313.5 (MANE Select); coding-DNA position 1260, C replaced by T.
Protein change: p.Gly420=; no amino-acid change (glycine 420 retained).
Molecular consequence: synonymous variant.
Genome position (GRCh38, 1-based): chr15:43,769,640, C>T. VCF-style: chr15-43769640-C-T. GRCh37 (hg19) VCF-style: chr15-44061838-C-T.
Other names: NC_000015.9:g.44061838C>T.
Identifiers: ClinVar variation 3052887 (VCV003052887.3), dbSNP rs147712601, ClinGen allele CA7529856.

ClinVar aggregate classification (germline): Likely benign (0 of 4 stars; one submission).

Conditions:
PDIA3-related disorder. Also called: PDIA3-related condition.

Allele frequency attached by ClinVar (database versions not stated): 1000 Genomes Project 30x 0.00016; 1000 Genomes Project 0.00020; ESP Exome Variant Server 0.00092; ExAC 0.00097; TOPMed 0.00137; gnomAD 0.00138.
gnomAD v4.1: 2,256 of 1,613,728 alleles (0.14%); highest among the groups gnomAD compares: Admixed American, 0.18%; 2 homozygotes.

Submissions (6):

PreventionGenetics, part of Exact Sciences
Classification: Likely benign for PDIA3-related condition. Last evaluated: 2019-02-28. Review status: no assertion criteria provided. Collection method: clinical testing. Allele origin: germline.
Comment: This variant is classified as likely benign based on ACMG/AMP sequence variant interpretation guidelines (Richards et al. 2015 PMID: 25741868, with internal and published modifications).

Dr. Peter K. Rogan Lab, Western University
No classification provided (evidence only). Condition: Lung cancer. Review status: no classification provided. Collection method: in vitro. Allele origin: not applicable. Functional consequence: retained intron. Not counted in ClinVar's aggregate classification.

Dr. Peter K. Rogan Lab, Western University
No classification provided (evidence only). Condition: Lung cancer. Review status: no classification provided. Collection method: in vitro. Allele origin: not applicable. Functional consequence: retained intron. Not counted in ClinVar's aggregate classification.

Dr. Peter K. Rogan Lab, Western University
No classification provided (evidence only). Condition: Ovarian serous cystadenocarcinoma. Review status: no classification provided. Collection method: in vitro. Allele origin: not applicable. Functional consequence: retained intron. Not counted in ClinVar's aggregate classification.

Dr. Peter K. Rogan Lab, Western University
No classification provided (evidence only). Condition: Gastric cancer. Review status: no classification provided. Collection method: in vitro. Allele origin: not applicable. Functional consequence: retained intron. Not counted in ClinVar's aggregate classification.

Dr. Peter K. Rogan Lab, Western University
No classification provided (evidence only). Condition: Adrenocortical carcinoma, hereditary. Review status: no classification provided. Collection method: in vitro. Allele origin: not applicable. Functional consequence: retained intron. Not counted in ClinVar's aggregate classification.